The following is an entry in ClinVar:

NM_005896.4(IDH1):c.482G>A (p.Gly161Glu)

Gene: IDH1 (isocitrate dehydrogenase (NADP(+)) 1; minus strand). Cytogenetic location: 2q34.
Variant type: single nucleotide variant.
Coding change: c.482G>A on transcript NM_005896.4 (MANE Select); coding-DNA position 482, G replaced by A.
Protein change: p.Gly161Glu; replaces glycine 161 with glutamic acid.
Molecular consequence: missense variant.
Genome position (GRCh38, 1-based): chr2:208,245,357, C>T on the plus strand (G>A on the coding strand, the complement: IDH1 is on the minus strand). VCF-style: chr2-208245357-C-T. GRCh37 (hg19) VCF-style: chr2-209110081-C-T.
Other names: c.482G>A, p.Gly161Glu (NM_001282386.1, NM_001282387.1); short protein forms G161E.
Identifiers: ClinVar variation 2610279 (VCV002610279.2), dbSNP rs2124857352, ClinGen allele CA350100360.
Genomic context (GRCh38, chr2:208,245,357, plus strand): 5'-CTTATGCTACAGTCATACATACCTTCAAAGTTATGTACCAGGTATGTCACCTTTTGGGTT[C>T]CGTCACTTGGTGTGTAGGTTATCTCTACTTTTCCAGGCCCAGGAACAACAAAATCAGTTG-3'
Protein context (NP_005887.2, residues 151-171): KVEITYTPSD[Gly161Glu]TQKVTYLVHN

ClinVar aggregate classification (germline): Uncertain significance (1 of 4 stars; one submission).

Allele frequency attached by ClinVar (database versions not stated): gnomAD exomes below 0.00001.

Submission:

Ambry Genetics
Classification: Uncertain significance. Last evaluated: 2023-08-11. Review status: criteria provided, single submitter. Criteria: Ambry Variant Classification Scheme 2023. Collection method: clinical testing. Allele origin: germline.
Comment: The p.G161E variant (also known as c.482G>A), located in coding exon 3 of the IDH1 gene, results from a G to A substitution at nucleotide position 482. The glycine at codon 161 is replaced by glutamic acid, an amino acid with similar properties. This amino acid position is conserved. In addition, this alteration is predicted to be deleterious by in silico analysis. Since supporting evidence is limited at this time, the clinical significance of this alteration remains unclear.